The following is an entry in ClinVar:

NM_000179.3(MSH6):c.3330_3331insTTTTTTTTTTTTTTTTTTTTNNNNNNNNNNCCGGTCGGGGGGGCTGGCCTGGCAGAGGGGCTCCTCACTTCCCAGTAGGGGCGGCCGGGCAGAGGCGCCCCTCACTGGAGATGATTTTATTCCT (p.Asn1111delinsPhePhePhePhePhePheXaaXaaXaaXaaProValGlyGlyAlaGlyLeuAlaGluGlyLeuLeuThrSerGlnTer)

Gene: MSH6 (mutS homolog 6; plus strand). Cytogenetic location: 2p16.3.
Variant type: Insertion.
Coding change: c.3330_3331insTTTTTTTTTTTTTTTTTTTTNNNNNNNNNNCCGGTCGGGGGGGCTGGCCTGGCAGAGGGGCTCCTCACTTCCCAGTAGGGGCGGCCGGGCAGAGGCGCCCCTCACTGGAGATGATTTTATTCCT on transcript NM_000179.3 (MANE Select); coding-DNA positions 3330 to 3331, TTTTTTTTTTTTTTTTTTTTNNNNNNNNNNCCGGTCGGGGGGGCTGGCCTGGCAGAGGGGCTCCTCACTTCCCAGTAGGGGCGGCCGGGCAGAGGCGCCCCTCACTGGAGATGATTTTATTCCT inserted.
Protein change: p.Asn1111delinsPhePhePhePhePhePheXaaXaaXaaXaaProValGlyGlyAlaGlyLeuAlaGluGlyLeuLeuThrSerGlnTer.
Molecular consequence: nonsense.
Genome position: GRCh38: chr2:47,803,577-47,803,578. GRCh37 (hg19): chr2:48,030,716-48,030,717.
Other names: c.2940_2941insTTTTTTTTTTTTTTTTTTTTNNNNNNNNNNCCGGTCGGGGGGGCTGGCCTGGCAGAGGGGCTCCTCACTTCCCAGTAGGGGCGGCCGGGCAGAGGCGCCCCTCACTGGAGATGATTTTATTCCT, p.Asn981delinsPhePhePhePhePhePheXaaXaaXaaXaaProValGlyGlyAlaGlyLeuAlaGluGlyLeuLeuThrSerGlnTer (NM_001281492.2); c.2424_2425insTTTTTTTTTTTTTTTTTTTTNNNNNNNNNNCCGGTCGGGGGGGCTGGCCTGGCAGAGGGGCTCCTCACTTCCCAGTAGGGGCGGCCGGGCAGAGGCGCCCCTCACTGGAGATGATTTTATTCCT, p.Asn809delinsPhePhePhePhePhePheXaaXaaXaaXaaProValGlyGlyAlaGlyLeuAlaGluGlyLeuLeuThrSerGlnTer (NM_001281493.2, NM_001281494.2).
Identifiers: ClinVar variation 1380428 (VCV001380428.6), dbSNP rs2104479515.

ClinVar aggregate classification (germline): Pathogenic (1 of 4 stars; one submission).

Conditions:
Hereditary nonpolyposis colorectal neoplasms. Identifiers: MedGen C0009405, MeSH D003123.

Submission:

Labcorp Genetics (formerly Invitae), Labcorp
Classification: Pathogenic for Hereditary nonpolyposis colorectal neoplasms. Last evaluated: 2022-11-07. Review status: criteria provided, single submitter. Criteria: Invitae Variant Classification Sherloc (09022015). Collection method: clinical testing. Allele origin: germline.
Comment: For these reasons, this variant has been classified as Pathogenic. Retrotransposon insertions including LINE1 (L1), Alu, and SVA (SINE-VNTR-Alu) have been reported to be disease-causing through disruption of either a coding region or splice site (PMID: 19763152, 20307669, 22406018) and loss-of-function variants in MSH6 are known to be pathogenic (PMID: 18269114, 24362816). This variant has not been reported in the literature in individuals affected with MSH6-related conditions. This variant is not present in population databases (gnomAD no frequency). This sequence change inserts a large fragment of DNA, likely a transposable element, in exon 5 of the MSH6 gene (c.3330_3331ins?), causing a frameshift at codon 1111 (p.Asn1111fs). The exact size and sequence of the insertion cannot be determined by the current assay. However, the insertion is expected to result in an absent or disrupted protein product.

Literature cited by the submitters: PubMed 19763152; PubMed 20307669; PubMed 22406018; PubMed 18269114; PubMed 24362816.